The following is an entry in ClinVar:

NM_001267550.2(TTN):c.62100T>G (p.Asn20700Lys)

Genes: TTN (titin; minus strand), TTN-AS1 (TTN antisense RNA 1; plus strand). Cytogenetic location: 2q31.2.
Variant type: single nucleotide variant.
Coding change: c.62100T>G on transcript NM_001267550.2 (MANE Select); coding-DNA position 62100, T replaced by G.
Protein change: p.Asn20700Lys; replaces asparagine 20700 with lysine.
Molecular consequence: missense variant.
Genome position (GRCh38, 1-based): chr2:178,589,625, A>C on the plus strand (T>G on the coding strand, the complement: TTN is on the minus strand). VCF-style: chr2-178589625-A-C. GRCh37 (hg19) VCF-style: chr2-179454352-A-C.
Other names: c.57177T>G, p.Asn19059Lys (NM_001256850.1); c.34905T>G, p.Asn11635Lys (NM_003319.4); c.54396T>G, p.Asn18132Lys (NM_133378.4); c.35280T>G, p.Asn11760Lys (NM_133432.3); c.35481T>G, p.Asn11827Lys (NM_133437.4); short protein forms N11635K, N11760K, N11827K, N18132K, N19059K, N20700K.
Identifiers: ClinVar variation 1308339 (VCV001308339.2), dbSNP rs997630345, ClinGen allele CA60967471.
Genomic context (GRCh38, chr2:178,589,625, plus strand): 5'-TTTATGCACTCTTTCCCAGTCATCGGAGCCCTTAAGCCTTCTCTCAACATGATATGACAG[A>C]TTTGGACTGCCACCATCATAGTCAGGCCTCCGCCACTTTAGATAGACAAATGTCTTTCCT-3'
Protein context (NP_001254479.2, residues 20690-20710): RRPDYDGGSP[Asn20700Lys]LSYHVERRLK

ClinVar aggregate classification (germline): Uncertain significance (1 of 4 stars; one submission).

Submission:

GeneDx
Classification: Uncertain significance. Last evaluated: 2019-03-27. Review status: criteria provided, single submitter. Criteria: GeneDx Variant Classification Process June 2021. Collection method: clinical testing. Allele origin: germline. Affected: yes.
Comment: Has not been previously published as pathogenic or benign to our knowledge; Not observed in large population cohorts (Lek et al., 2016); In-silico analysis, which includes splice predictors and evolutionary conservation, supports that this variant does not alter gene splicing. In the absence of RNA/functional studies, the actual effect of this sequence change is unknown.; Missense variant, located within the A band, in a gene in which most reported pathogenic variants are truncating/loss-of-function